The following is an entry in ClinVar:

NM_001397.3(ECE1):c.413C>T (p.Pro138Leu)

Gene: ECE1 (endothelin converting enzyme 1; minus strand). Cytogenetic location: 1p36.12.
Variant type: single nucleotide variant.
Coding change: c.413C>T on transcript NM_001397.3 (MANE Select); coding-DNA position 413, C replaced by T.
Protein change: p.Pro138Leu; replaces proline 138 with leucine.
Molecular consequence: missense variant.
Genome position (GRCh38, 1-based): chr1:21,272,779, G>A on the plus strand (C>T on the coding strand, the complement: ECE1 is on the minus strand). VCF-style: chr1-21272779-G-A. GRCh37 (hg19) VCF-style: chr1-21599272-G-A.
Other names: c.377C>T, p.Pro126Leu (NM_001113347.2); c.365C>T, p.Pro122Leu (NM_001113348.2); c.404C>T, p.Pro135Leu (NM_001113349.2); short protein forms P126L, P135L, P122L, P138L.
Identifiers: ClinVar variation 3506414 (VCV003506414.2).

ClinVar aggregate classification (germline): Uncertain significance. Review status: criteria provided, multiple submitters, no conflicts (2 of 4 stars). 2 submissions from 2 submitters: Uncertain significance (2). Last evaluated 2025-04-09.

Conditions:
ECE1-related disorder. Also called: ECE1-related condition.

gnomAD v4.1: 101 of 1,614,290 alleles (0.0063%); highest among the groups gnomAD compares: African/African-American, 0.079%; no homozygotes.

Submissions (2):

PreventionGenetics, part of Exact Sciences
Classification: Uncertain significance for ECE1-related condition. Last evaluated: 2025-04-09. Review status: criteria provided, single submitter. Criteria: ACMG Guidelines, 2015. Collection method: clinical testing. Allele origin: germline.
Comment: The ECE1 c.413C>T variant is predicted to result in the amino acid substitution p.Pro138Leu. To our knowledge, this variant has not been reported in the literature. This variant is reported in 0.044% of alleles in individuals of African descent in gnomAD. Although we suspect that this variant may be benign, at this time, the clinical significance of this variant is uncertain due to the absence of conclusive functional and genetic evidence.

Ambry Genetics
Classification: Uncertain significance. Last evaluated: 2024-11-21. Review status: criteria provided, single submitter. Criteria: Ambry Variant Classification Scheme 2023. Collection method: clinical testing. Allele origin: germline.